The following is an entry in ClinVar:

ClinVar aggregate classification (germline): Uncertain significance. Review status: criteria provided, multiple submitters, no conflicts (2 of 4 stars). 3 submissions from 3 submitters: Uncertain significance (3). Last evaluated 2025-11-12.

Conditions:
Autosomal recessive limb-girdle muscular dystrophy type 2J (LGMDR10). Also called: MUSCULAR DYSTROPHY, LIMB-GIRDLE, AUTOSOMAL RECESSIVE 10; Limb-girdle muscular dystrophy, type 2J. Identifiers: Orphanet 140922, MedGen C1837342, MONDO:0012127, OMIM 608807.
Dilated cardiomyopathy 1G (CMD1G). Identifiers: Orphanet 154, MedGen C1858763, MONDO:0011400, OMIM 604145.
Tibial muscular dystrophy (TMD). Also called: Udd Distal Myopathy – Tibial Muscular Dystrophy; UDD MYOPATHY; Tibial muscular dystrophy, tardive. Identifiers: Orphanet 609, MedGen C1838244, MONDO:0010870, OMIM 600334.
Early-onset myopathy with fatal cardiomyopathy (CMYO5). Also called: CONGENITAL MYOPATHY 5 WITH CARDIOMYOPATHY; Salih Myopathy. Identifiers: Orphanet 289377, MedGen C2673677, MONDO:0012714, OMIM 611705. Disease mechanism: loss of function.
Myopathy, myofibrillar, 9, with early respiratory failure (MFM9). Also called: EDSTROM MYOPATHY; MYOPATHY, PROXIMAL, WITH EARLY RESPIRATORY MUSCLE INVOLVEMENT; Hereditary myopathy with early respiratory failure; Myopathy, distal, with early respiratory failure, autosomal dominant. Identifiers: Orphanet 178464, Orphanet 34521, MedGen C1863599, MONDO:0011362, OMIM 603689.
Hypertrophic cardiomyopathy 9. Also called: Familial hypertrophic cardiomyopathy 9. Identifiers: MedGen C1861065, MONDO:0013412, OMIM 613765.

Allele frequency attached by ClinVar (database versions not stated): TOPMed below 0.00001.
gnomAD v4.1: 11 of 1,613,916 alleles (0.00068%); highest among the groups gnomAD compares: Admixed American, 0.0017%; no homozygotes.

Submissions (3):

Labcorp Genetics (formerly Invitae), Labcorp
Classification: Uncertain significance for Dilated cardiomyopathy 1G; Autosomal recessive limb-girdle muscular dystrophy type 2J. Last evaluated: 2025-11-12. Review status: criteria provided, single submitter. Criteria: Invitae Variant Classification Sherloc (09022015). Collection method: clinical testing. Allele origin: germline.
Comment: This sequence change replaces methionine, which is neutral and non-polar, with lysine, which is basic and polar, at codon 33790 of the TTN protein (p.Met33790Lys). This variant is present in population databases (no rsID available, gnomAD 0.003%). This variant has not been reported in the literature in individuals affected with TTN-related conditions. ClinVar contains an entry for this variant (Variation ID: 229560). Experimental studies and prediction algorithms are not available or were not evaluated, and the functional significance of this variant is currently unknown. This variant is located in the M band of TTN (PMID: 25589632). Non-truncating variants in this region may be relevant for neuromuscular disorders, but have not been definitively shown to cause cardiomyopathy (PMID: 23975875). In summary, the available evidence is currently insufficient to determine the role of this variant in disease. Therefore, it has been classified as a Variant of Uncertain Significance.

Fulgent Genetics
Classification: Uncertain significance for Tibial muscular dystrophy; Myopathy, myofibrillar, 9, with early respiratory failure; Dilated cardiomyopathy 1G; Autosomal recessive limb-girdle muscular dystrophy type 2J; Early-onset myopathy with fatal cardiomyopathy; Hypertrophic cardiomyopathy 9. Last evaluated: 2021-08-31. Review status: criteria provided, single submitter. Criteria: ACMG Guidelines, 2015. Collection method: clinical testing. Allele origin: unknown.

Laboratory for Molecular Medicine, Mass General Brigham Personalized Medicine
Classification: Uncertain significance. Last evaluated: 2015-04-16. Review status: criteria provided, single submitter. Criteria: LMM Criteria. Collection method: clinical testing. Allele origin: germline. Observed: 1 variant allele.
Comment: The p.Met31222Lys variant in TTN has not been previously reported in individuals with cardiomyopathy or in large population studies. Computational prediction to ols and conservation analysis do not provide strong support for or against an im pact to the protein, though 1 species (tenrec) has a lysine (Lys) at this positi on, raising the possibility that this change may be tolerated. In summary, the c linical significance of the p.Met31222Lys variant is uncertain.

Literature cited by the submitters: PubMed 25589632 (cited by Labcorp Genetics (formerly Invitae), Labcorp); PubMed 23975875 (cited by Labcorp Genetics (formerly Invitae), Labcorp).

NM_001267550.2(TTN):c.101369T>A (p.Met33790Lys)

Genes: TTN (titin; minus strand), TTN-AS1 (TTN antisense RNA 1; plus strand). Cytogenetic location: 2q31.2.
Variant type: single nucleotide variant.
Coding change: c.101369T>A on transcript NM_001267550.2 (MANE Select); coding-DNA position 101369, T replaced by A.
Protein change: p.Met33790Lys; replaces methionine 33790 with lysine.
Molecular consequence: missense variant.
Genome position (GRCh38, 1-based): chr2:178,535,246, A>T on the plus strand (T>A on the coding strand, the complement: TTN is on the minus strand). VCF-style: chr2-178535246-A-T. GRCh37 (hg19) VCF-style: chr2-179399973-A-T.
Other names: c.96446T>A, p.Met32149Lys (NM_001256850.1); c.74174T>A, p.Met24725Lys (NM_003319.4); c.74549T>A, p.Met24850Lys (NM_133432.3); c.74750T>A, p.Met24917Lys (NM_133437.4); c.93665T>A, p.Met31222Lys (NM_133378.4); short protein forms M31222K, M33790K, M32149K, M24725K, M24917K, M24850K.
Identifiers: ClinVar variation 229560 (VCV000229560.12), dbSNP rs876658097, ClinGen allele CA10576452.